The following is an entry in ClinVar:

NM_006790.3(MYOT):c.1015G>A (p.Asp339Asn)

Genes: PKD2L2-DT (PKD2L2 divergent transcript; minus strand), MYOT (myotilin; plus strand). Cytogenetic location: 5q31.2.
Variant type: single nucleotide variant.
Coding change: c.1015G>A on transcript NM_006790.3 (MANE Select); coding-DNA position 1015, G replaced by A.
Protein change: p.Asp339Asn; replaces aspartic acid 339 with asparagine.
Molecular consequence: missense variant.
Genome position (GRCh38, 1-based): chr5:137,883,582, G>A. VCF-style: chr5-137883582-G-A. GRCh37 (hg19) VCF-style: chr5-137219271-G-A.
Other names: c.1015G>A (NM_006790.2); c.463G>A, p.Asp155Asn (NM_001135940.2); c.670G>A, p.Asp224Asn (NM_001300911.2); short protein forms D155N, D224N, D339N.
Identifiers: ClinVar variation 1053848 (VCV001053848.16), dbSNP rs201903235, ClinGen allele CA361055929.

ClinVar aggregate classification (germline): Uncertain significance. Review status: criteria provided, multiple submitters, no conflicts (2 of 4 stars). 2 submissions from 2 submitters: Uncertain significance (2). Last evaluated 2020-03-05.

Conditions:
Myofibrillar myopathy 3 (MFM3). Also called: Autosomal dominant spheroid body myopathy; Muscular dystrophy, proximal, type 1A. Identifiers: Orphanet 266, Orphanet 268129, MedGen C3714934, MONDO:0012215, OMIM 609200.

Allele frequency attached by ClinVar (database versions not stated): TOPMed below 0.00001; gnomAD 0.00001.
gnomAD v4.1: 1 of 1,613,908 alleles (0.000062%); highest among the groups gnomAD compares: East Asian, 0.0022%; no homozygotes.

Submissions (2):

Revvity Omics, Revvity
Classification: Uncertain significance for Myofibrillar myopathy 3. Last evaluated: 2020-03-05. Review status: criteria provided, single submitter. Criteria: ACMG Guidelines, 2015. Collection method: clinical testing. Allele origin: germline.

Labcorp Genetics (formerly Invitae), Labcorp
Classification: Uncertain significance for Myofibrillar myopathy 3. Last evaluated: 2020-02-17. Review status: criteria provided, single submitter. Criteria: Invitae Variant Classification Sherloc (09022015). Collection method: clinical testing. Allele origin: germline.
Comment: Algorithms developed to predict the effect of missense changes on protein structure and function (SIFT, PolyPhen-2, Align-GVGD) all suggest that this variant is likely to be tolerated, but these predictions have not been confirmed by published functional studies and their clinical significance is uncertain. This variant has not been reported in the literature in individuals with MYOT-related conditions. This variant is not present in population databases (ExAC no frequency). This sequence change replaces aspartic acid with asparagine at codon 339 of the MYOT protein (p.Asp339Asn). The aspartic acid residue is highly conserved and there is a small physicochemical difference between aspartic acid and asparagine. In summary, the available evidence is currently insufficient to determine the role of this variant in disease. Therefore, it has been classified as a Variant of Uncertain Significance.